The following is an entry in ClinVar:

NM_001852.4(COL9A2):c.794G>A (p.Gly265Asp)

Gene: COL9A2 (collagen type IX alpha 2 chain; minus strand). Cytogenetic location: 1p34.2.
Variant type: single nucleotide variant.
Coding change: c.794G>A on transcript NM_001852.4 (MANE Select); coding-DNA position 794, G replaced by A.
Protein change: p.Gly265Asp; replaces glycine 265 with aspartic acid.
Molecular consequence: missense variant.
Genome position (GRCh38, 1-based): chr1:40,309,990, C>T on the plus strand (G>A on the coding strand, the complement: COL9A2 is on the minus strand). VCF-style: chr1-40309990-C-T. GRCh37 (hg19) VCF-style: chr1-40775662-C-T.
Other names: short protein forms G265D.
Identifiers: ClinVar variation 2705030 (VCV002705030.3), dbSNP rs1448808178, ClinGen allele CA339853776.

ClinVar aggregate classification (germline): Uncertain significance (1 of 4 stars; one submission).

gnomAD v4.1: 1 of 1,614,180 alleles (0.000062%); highest among the groups gnomAD compares: Non-Finnish European, 0.000085%; no homozygotes.

Submission:

Labcorp Genetics (formerly Invitae), Labcorp
Classification: Uncertain significance. Last evaluated: 2023-06-14. Review status: criteria provided, single submitter. Criteria: Invitae Variant Classification Sherloc (09022015). Collection method: clinical testing. Allele origin: germline.
Comment: In summary, the available evidence is currently insufficient to determine the role of this variant in disease. Therefore, it has been classified as a Variant of Uncertain Significance. An algorithm developed to predict the effect of missense changes on protein structure and function (PolyPhen-2) suggests that this variant is likely to be disruptive. This variant has not been reported in the literature in individuals affected with COL9A2-related conditions. This variant is not present in population databases (gnomAD no frequency). This sequence change replaces glycine, which is neutral and non-polar, with aspartic acid, which is acidic and polar, at codon 265 of the COL9A2 protein (p.Gly265Asp).